The following is an entry in ClinVar:

NM_001953.5(TYMP):c.1127G>A (p.Arg376Gln)

Genes: SCO2 (synthesis of cytochrome C oxidase 2; minus strand), TYMP (thymidine phosphorylase; minus strand), LOC130067862 (ATAC-STARR-seq lymphoblastoid silent region 13986; plus strand). Cytogenetic location: 22q13.33.
Variant type: single nucleotide variant.
Coding change: c.1127G>A on transcript NM_001953.5 (MANE Select); coding-DNA position 1127, G replaced by A.
Protein change: p.Arg376Gln; replaces arginine 376 with glutamine.
Molecular consequence: missense variant. On other transcripts: 5 prime UTR variant (1).
Genome position (GRCh38, 1-based): chr22:50,526,278, C>T on the plus strand (G>A on the coding strand, the complement: TYMP is on the minus strand). VCF-style: chr22-50526278-C-T. GRCh37 (hg19) VCF-style: chr22-50964707-C-T.
Other names: c.1127G>A, p.Arg376Gln (NM_001113755.3, NM_001113756.3, NM_001257988.1 and 1 more transcripts); c.-46G>A (NM_001169109.2); short protein forms R376Q.
Identifiers: ClinVar variation 215325 (VCV000215325.16), dbSNP rs765007158, ClinGen allele CA320595.
Genomic context (GRCh38, chr22:50,526,278, plus strand): 5'-GAAGGACGGGGACTCCCCCGACGCTCACCATCTGCGGGCGCCAGCAGCTCCTCCTGCTCC[C>T]GGGCGCGAGGCAGCAGCTGCCGGCGTTCTGCGGGACTTCCCGAGCACAGGGCTCGGGCCA-3'
Protein context (NP_001944.1, residues 366-386): AERRQLLPRA[Arg376Gln]EQEELLAPAD

ClinVar aggregate classification (germline): Benign/Likely benign. Review status: criteria provided, multiple submitters, no conflicts (2 of 4 stars). 4 submissions from 4 submitters: Benign (1); Likely benign (3). Last evaluated 2026-01-26.

Allele frequency attached by ClinVar (database versions not stated): gnomAD 0.00024 and 0.00023; TOPMed 0.00061; gnomAD exomes 0.00202; 1000 Genomes Project 30x 0.00031; ExAC 0.00305.
gnomAD v4.1: 401 of 1,545,096 alleles (0.026%); highest among the groups gnomAD compares: Admixed American, 0.72%; 4 homozygotes.

Submissions (4):

Labcorp Genetics (formerly Invitae), Labcorp
Classification: Benign. Last evaluated: 2026-01-26. Review status: criteria provided, single submitter. Criteria: Invitae Variant Classification Sherloc (09022015). Collection method: clinical testing. Allele origin: germline.

Blueprint Genetics
Classification: Likely benign. Last evaluated: 2024-10-02. Review status: criteria provided, single submitter. Criteria: ACMG Guidelines, 2015. Collection method: clinical testing. Allele origin: germline.

GeneDx
Classification: Likely benign. Last evaluated: 2020-08-23. Review status: criteria provided, single submitter. Criteria: GeneDx Variant Classification Process June 2021. Collection method: clinical testing. Allele origin: germline. Affected: yes.

Center for Pediatric Genomic Medicine, Children's Mercy Hospital and Clinics
Classification: Likely benign. Last evaluated: 2016-10-13. Review status: criteria provided, single submitter. Criteria: ACMG Guidelines, 2015. Collection method: clinical testing. Allele origin: germline.
ClinVar note: Converted during submission from Likely Benign to Likely benign.